The following is an entry in ClinVar:

NM_005359.6(SMAD4):c.1452G>C (p.Leu484=)

Gene: SMAD4 (SMAD family member 4; plus strand). Cytogenetic location: 18q21.2.
Variant type: single nucleotide variant.
Coding change: c.1452G>C on transcript NM_005359.6 (MANE Select); coding-DNA position 1452, G replaced by C.
Protein change: p.Leu484=; no amino-acid change (leucine 484 retained).
Molecular consequence: synonymous variant.
Genome position (GRCh38, 1-based): chr18:51,078,260, G>C. VCF-style: chr18-51078260-G-C. GRCh37 (hg19) VCF-style: chr18-48604630-G-C.
Identifiers: ClinVar variation 484816 (VCV000484816.15), dbSNP rs1555687538, ClinGen allele CA503873952.
Genomic context (GRCh38, chr18:51,078,260, plus strand): 5'-GAGGATGGGAAGAGATCACCCTGTCCCTCTGATGTCTTCCAAATCTTTTCTGTTAGGTCT[G>C]TCAGCTGCTGCTGGAATTGGTGTTGATGACCTTCGTCGCTTATGCATACTCAGGATGAGT-3'
Protein context (NP_005350.1, residues 474-494): SVGGIAPAIS[Leu484=]SAAAGIGVDD

ClinVar aggregate classification (germline): Benign/Likely benign. Review status: criteria provided, multiple submitters, no conflicts (2 of 4 stars). 3 submissions from 3 submitters: Benign (1); Likely benign (2). Last evaluated 2025-12-30.

Conditions:
Hereditary cancer-predisposing syndrome. Also called: Hereditary neoplastic syndrome; Tumor predisposition; Neoplastic Syndromes, Hereditary; Hereditary Cancer Syndrome. Identifiers: Orphanet 140162, MedGen C0027672, MeSH D009386, MONDO:0015356.
Familial thoracic aortic aneurysm and aortic dissection (TAAD). Also called: Thoracic aortic aneurysms and dissections. Identifiers: Orphanet 91387, MedGen C4707243, MONDO:0019625.
Juvenile polyposis syndrome (JPS). Identifiers: Orphanet 2929, MedGen C0345893, MONDO:0017380, OMIM 174900.
Juvenile polyposis/hereditary hemorrhagic telangiectasia syndrome (JPHT). Also called: Juvenile Polyposis Syndrome / Hereditary Hemorrhagic Telangiectasia (JPS/HHT); JP/HHT SYNDROME; JUVENILE POLYPOSIS WITH HEREDITARY HEMORRHAGIC TELANGIECTASIA; POLYPOSIS, GENERALIZED JUVENILE, WITH PULMONARY ARTERIOVENOUS MALFORMATION; TELANGIECTASIA, HEREDITARY HEMORRHAGIC, WITH JUVENILE POLYPOSIS COLI. Identifiers: Orphanet 2929, MedGen C1832942, MONDO:0008278, OMIM 175050.

gnomAD v4.1: 1 of 1,613,994 alleles (0.000062%); no homozygotes.

Submissions (3):

Labcorp Genetics (formerly Invitae), Labcorp
Classification: Likely benign for Juvenile polyposis syndrome. Last evaluated: 2025-12-30. Review status: criteria provided, single submitter. Criteria: Invitae Variant Classification Sherloc (09022015). Collection method: clinical testing. Allele origin: germline.

Myriad Genetics, Inc.
Classification: Benign for Juvenile polyposis/hereditary hemorrhagic telangiectasia syndrome. Last evaluated: 2025-03-24. Review status: criteria provided, single submitter. Criteria: Myriad Autosomal Dominant, Autosomal Recessive and X-Linked Classification Criteria (2023). Collection method: clinical testing. Allele origin: unknown.
Comment: This variant is considered benign. This variant is a silent/synonymous amino acid change and it is not expected to impact splicing.

Ambry Genetics
Classification: Likely benign for Hereditary cancer-predisposing syndrome; Familial thoracic aortic aneurysm and aortic dissection. Last evaluated: 2016-12-01. Review status: criteria provided, single submitter. Criteria: Ambry Variant Classification Scheme 2023. Collection method: clinical testing. Allele origin: germline.